The following is an entry in ClinVar:

ClinVar aggregate classification (germline): Uncertain significance. Review status: criteria provided, multiple submitters, no conflicts (2 of 4 stars). 3 submissions from 3 submitters: Uncertain significance (3). Last evaluated 2023-11-16.

Conditions:
Refsum disease, classic. Also called: HEREDOPATHIA ATACTICA POLYNEURITIFORMIS; HMSN IV; PHYTANIC ACID OXIDASE DEFICIENCY; PHYH-Related Refsum Disease. Identifiers: Orphanet 773, MedGen C5780941, MONDO:1060256, OMIM 266500. Disease mechanism: loss of function.

Allele frequency attached by ClinVar (database versions not stated): gnomAD 0.00001; gnomAD exomes 0.00001; TOPMed below 0.00001.

Submissions (3):

Blueprint Genetics
Classification: Uncertain significance. Last evaluated: 2023-11-16. Review status: criteria provided, single submitter. Criteria: ACMG Guidelines, 2015. Collection method: clinical testing. Allele origin: germline.

Labcorp Genetics (formerly Invitae), Labcorp
Classification: Uncertain significance. Last evaluated: 2022-04-18. Review status: criteria provided, single submitter. Criteria: Invitae Variant Classification Sherloc (09022015). Collection method: clinical testing. Allele origin: germline.
Comment: This sequence change replaces arginine, which is basic and polar, with glutamine, which is neutral and polar, at codon 82 of the PHYH protein (p.Arg82Gln). This variant also falls at the last nucleotide of exon 3, which is part of the consensus splice site for this exon. This variant is not present in population databases (gnomAD no frequency). This variant has not been reported in the literature in individuals affected with PHYH-related conditions. ClinVar contains an entry for this variant (Variation ID: 299258). Algorithms developed to predict the effect of missense changes on protein structure and function are either unavailable or do not agree on the potential impact of this missense change (SIFT: "Deleterious"; PolyPhen-2: "Benign"; Align-GVGD: "Class C0"). Variants that disrupt the consensus splice site are a relatively common cause of aberrant splicing (PMID: 17576681, 9536098). Algorithms developed to predict the effect of sequence changes on RNA splicing suggest that this variant may create or strengthen a splice site. In summary, the available evidence is currently insufficient to determine the role of this variant in disease. Therefore, it has been classified as a Variant of Uncertain Significance.

Illumina Laboratory Services, Illumina
Classification: Uncertain significance for Refsum disease, classic. Last evaluated: 2018-01-12. Review status: criteria provided, single submitter. Criteria: ICSL Variant Classification Criteria 13 December 2019. Collection method: clinical testing. Allele origin: germline.

Literature cited by the submitters: PubMed 17576681 (cited by Labcorp Genetics (formerly Invitae), Labcorp); PubMed 9536098 (cited by Labcorp Genetics (formerly Invitae), Labcorp).

NM_006214.4(PHYH):c.245G>A (p.Arg82Gln)

Gene: PHYH (phytanoyl-CoA 2-hydroxylase; minus strand). Cytogenetic location: 10p13.
Variant type: single nucleotide variant.
Coding change: c.245G>A on transcript NM_006214.4 (MANE Select); coding-DNA position 245, G replaced by A.
Protein change: p.Arg82Gln; replaces arginine 82 with glutamine.
Molecular consequence: missense variant. On other transcripts: 5 prime UTR variant (3).
Genome position (GRCh38, 1-based): chr10:13,295,496, C>T on the plus strand (G>A on the coding strand, the complement: PHYH is on the minus strand). VCF-style: chr10-13295496-C-T. GRCh37 (hg19) VCF-style: chr10-13337496-C-T.
Other names: c.-56G>A (NM_001037537.2, NM_001323080.2, NM_001323084.2); c.245G>A, p.Arg82Gln (NM_001323082.2, NM_001323083.2); short protein forms R82Q.
Identifiers: ClinVar variation 299258 (VCV000299258.8), dbSNP rs886046830, ClinGen allele CA10634950.